The following is an entry in ClinVar:

ClinVar aggregate classification (germline): Likely benign. Review status: criteria provided, multiple submitters, no conflicts (2 of 4 stars). 3 submissions from 3 submitters: Likely benign (3). Last evaluated 2025-12-31.

Conditions:
ACTG1-related disorder. Also called: ACTG1-related condition; ACTG1-related disorders.
Autosomal dominant nonsyndromic hearing loss 20. Identifiers: Orphanet 90635, MedGen C1858172, MONDO:0011480, OMIM 604717.
Baraitser-winter syndrome 2. Identifiers: Orphanet 2995, MedGen C3281235, MONDO:0013812, OMIM 614583.

Allele frequency attached by ClinVar (database versions not stated): ExAC 0.00002; TOPMed 0.00005; gnomAD 0.00006; ESP Exome Variant Server 0.00008; 1000 Genomes Project 30x 0.00016; 1000 Genomes Project 0.00020.

Submissions (3):

PreventionGenetics, part of Exact Sciences
Classification: Likely benign for ACTG1-related condition. Last evaluated: 2025-12-31. Review status: criteria provided, single submitter. Criteria: ACMG Guidelines, 2015. Collection method: clinical testing. Allele origin: germline.
Comment: This variant is classified as likely benign based on ACMG/AMP sequence variant interpretation guidelines (Richards et al. 2015 PMID: 25741868, with internal and published modifications).

Labcorp Genetics (formerly Invitae), Labcorp
Classification: Likely benign for Baraitser-winter syndrome 2; Autosomal dominant nonsyndromic hearing loss 20. Last evaluated: 2025-10-29. Review status: criteria provided, single submitter. Criteria: Invitae Variant Classification Sherloc (09022015). Collection method: clinical testing. Allele origin: germline.

Blueprint Genetics
Classification: Likely benign. Last evaluated: 2022-06-14. Review status: criteria provided, single submitter. Criteria: ACMG Guidelines, 2015. Collection method: clinical testing. Allele origin: germline.

NM_001614.5(ACTG1):c.903C>T (p.Gly301=)

Gene: ACTG1 (actin gamma 1; minus strand). Cytogenetic location: 17q25.3.
Variant type: single nucleotide variant.
Coding change: c.903C>T on transcript NM_001614.5 (MANE Select); coding-DNA position 903, C replaced by T.
Protein change: p.Gly301=; no amino-acid change (glycine 301 retained).
Molecular consequence: synonymous variant. On other transcripts: non-coding transcript variant (1).
Genome position (GRCh38, 1-based): chr17:81,511,008, G>A on the plus strand (C>T on the coding strand, the complement: ACTG1 is on the minus strand). VCF-style: chr17-81511008-G-A. GRCh37 (hg19) VCF-style: chr17-79478034-G-A.
Other names: c.903C>T, p.Gly301= (NM_001199954.3).
Identifiers: ClinVar variation 719942 (VCV000719942.10), dbSNP rs201963572, ClinGen allele CA8835908.